The following is an entry in ClinVar:

NM_003239.5(TGFB3):c.622G>A (p.Val208Met)

Gene: TGFB3 (transforming growth factor beta 3; minus strand). Cytogenetic location: 14q24.3.
Variant type: single nucleotide variant.
Coding change: c.622G>A on transcript NM_003239.5 (MANE Select); coding-DNA position 622, G replaced by A.
Protein change: p.Val208Met; replaces valine 208 with methionine.
Molecular consequence: missense variant.
Genome position (GRCh38, 1-based): chr14:75,971,150, C>T on the plus strand (G>A on the coding strand, the complement: TGFB3 is on the minus strand). VCF-style: chr14-75971150-C-T. GRCh37 (hg19) VCF-style: chr14-76437493-C-T.
Other names: c.622G>A, p.Val208Met (NM_001329938.2, NM_001329939.2); short protein forms V208M.
Identifiers: ClinVar variation 853492 (VCV000853492.9), dbSNP rs2035285476, ClinGen allele CA390469434.

ClinVar aggregate classification (germline): Uncertain significance (1 of 4 stars; one submission).

Conditions:
Rienhoff syndrome. Also called: LOEYS-DIETZ SYNDROME 5. Identifiers: MedGen C3810012, MONDO:0014262, OMIM 615582.

Submission:

Labcorp Genetics (formerly Invitae), Labcorp
Classification: Uncertain significance for Rienhoff syndrome. Last evaluated: 2022-08-23. Review status: criteria provided, single submitter. Criteria: Invitae Variant Classification Sherloc (09022015). Collection method: clinical testing. Allele origin: germline.
Comment: In summary, the available evidence is currently insufficient to determine the role of this variant in disease. Therefore, it has been classified as a Variant of Uncertain Significance. Algorithms developed to predict the effect of sequence changes on RNA splicing suggest that this variant may create or strengthen a splice site. Algorithms developed to predict the effect of missense changes on protein structure and function are either unavailable or do not agree on the potential impact of this missense change (SIFT: "Deleterious"; PolyPhen-2: "Probably Damaging"; Align-GVGD: "Class C0"). This variant has not been reported in the literature in individuals affected with TGFB3-related conditions. This variant is not present in population databases (gnomAD no frequency). This sequence change replaces valine, which is neutral and non-polar, with methionine, which is neutral and non-polar, at codon 208 of the TGFB3 protein (p.Val208Met). ClinVar contains an entry for this variant (Variation ID: 853492).